The following is an entry in ClinVar:

NM_001943.5(DSG2):c.1702A>G (p.Ile568Val)

Gene: DSG2 (desmoglein 2; plus strand). Cytogenetic location: 18q12.1.
Variant type: single nucleotide variant.
Coding change: c.1702A>G on transcript NM_001943.5 (MANE Select); coding-DNA position 1702, A replaced by G.
Protein change: p.Ile568Val; replaces isoleucine 568 with valine.
Molecular consequence: missense variant.
Genome position (GRCh38, 1-based): chr18:31,538,801, A>G. VCF-style: chr18-31538801-A-G. GRCh37 (hg19) VCF-style: chr18-29118764-A-G.
Other names: short protein forms I568V.
Identifiers: ClinVar variation 3072396 (VCV003072396.1), dbSNP rs2510918917, ClinGen allele CA402137102.

ClinVar aggregate classification (germline): Uncertain significance (1 of 4 stars; one submission).

Conditions:
Arrhythmogenic right ventricular cardiomyopathy (ARVD). Also called: Arrhythmogenic right ventricular dysplasia; Cardiomyopathy, ARVC; Arrhythmogenic cardiomyopathy; Arrhythmogenic Right Ventricular Cardiomyopathy (ARVC). Identifiers: Orphanet 247, MedGen C0349788, MeSH D019571, MONDO:0016587. Disease mechanism: loss of function. Inheritance: Various modes of inheritance.

Submission:

All of Us Research Program, National Institutes of Health
Classification: Uncertain significance for Arrhythmogenic right ventricular cardiomyopathy. Last evaluated: 2023-07-10. Review status: criteria provided, single submitter. Criteria: ACMG Guidelines, 2015. Collection method: clinical testing. Allele origin: germline. Inheritance: Autosomal dominant inheritance. Observed: 1 variant allele, 1 heterozygote.
Comment: This missense variant replaces isoleucine with valine at codon 568 of the DSG2 protein. Computational prediction suggests that this variant may not impact protein structure and function (internally defined REVEL score threshold <= 0.5, PMID: 27666373). To our knowledge, functional studies have not been reported for this variant. This variant has not been reported in individuals affected with DSG2-related disorders in the literature. This variant has not been identified in the general population by the Genome Aggregation Database (gnomAD). The available evidence is insufficient to determine the role of this variant in disease conclusively. Therefore, this variant is classified as a Variant of Uncertain Significance.

This study involves interpretation of variants in research participants for the purpose of population health screening. Participant phenotype was not available at the time of variant classification. Additional details can be found in publication PMID: 35346344, PMCID: PMC8962531